The following is an entry in ClinVar:

ClinVar aggregate classification (germline): Pathogenic (1 of 4 stars; one submission).

Conditions:
Hereditary nonpolyposis colorectal neoplasms. Identifiers: MedGen C0009405, MeSH D003123.

Submission:

Labcorp Genetics (formerly Invitae), Labcorp
Classification: Pathogenic for Hereditary nonpolyposis colorectal neoplasms. Last evaluated: 2022-07-30. Review status: criteria provided, single submitter. Criteria: Invitae Variant Classification Sherloc (09022015). Collection method: clinical testing. Allele origin: germline.
Comment: For these reasons, this variant has been classified as Pathogenic. This variant has not been reported in the literature in individuals affected with PMS2-related conditions. This variant is not present in population databases (gnomAD no frequency). This sequence change creates a premature translational stop signal (p.Leu266Phefs*32) in the PMS2 gene. It is expected to result in an absent or disrupted protein product. Loss-of-function variants in PMS2 are known to be pathogenic (PMID: 21376568, 24362816).

Literature cited by the submitters: PubMed 21376568; PubMed 24362816.

NM_000535.7(PMS2):c.796_797del (p.Leu266fs)

Gene: PMS2 (PMS1 homolog 2, mismatch repair system component; minus strand). Cytogenetic location: 7p22.1.
Variant type: Deletion.
Coding change: c.796_797del on transcript NM_000535.7 (MANE Select); coding-DNA positions 796 to 797, 2 bases deleted (CT; older notation c.796_797delCT).
Protein change: p.Leu266fs; shifts the reading frame from leucine 266.
Molecular consequence: frameshift variant. On other transcripts: 5 prime UTR variant (2), non-coding transcript variant (1).
Genome position (GRCh38, 1-based): chr7:5,997,332-5,997,333, AG deleted on the plus strand (CT on the coding strand, the reverse complement: PMS2 is on the minus strand); deleting any 2 consecutive bases within chr7:5,997,332-5,997,334 gives the same sequence; the c. name uses the placement nearest the transcript's 3' end. VCF-style (leftmost placement, unchanged base first): chr7-5997331-AAG-A. GRCh37 (hg19) VCF-style: chr7-6036962-AAG-A.
Other names: c.390_391delTC, p.Leu131Phefs (NM_001018040.1, NM_001406887.1, NM_001406888.1 and 15 more transcripts); c.391_392del, p.Leu131fs (NM_001322003.2, NM_001322004.2, NM_001322005.2 and 2 more transcripts); c.796_797del, p.Leu266fs (NM_001322006.2, NM_001322014.2); c.478_479del, p.Leu160fs (NM_001322007.2, NM_001322008.2); c.-138_-137del (NM_001322011.2, NM_001322012.2); c.223_224del, p.Leu75fs (NM_001322013.2); c.487_488del, p.Leu163fs (NM_001322015.2); c.981_982delTC, p.Leu328Phefs (NM_001406866.1); and 9 more; short protein forms L163fs, L266fs, L75fs, L131fs, L160fs.
Identifiers: ClinVar variation 2020501 (VCV002020501.4), dbSNP rs2536216638, ClinGen allele CA2580076848.